The following is an entry in ClinVar:

ClinVar aggregate classification (germline): Pathogenic (1 of 4 stars; one submission).

Conditions:
Joubert syndrome and related disorders. Identifiers: Orphanet 140874, MedGen C5679612, MONDO:0015369.

Submission:

Myriad Genetics, Inc.
Classification: Pathogenic for Joubert syndrome and related disorders. Last evaluated: 2025-09-29. Review status: criteria provided, single submitter. Criteria: Myriad Autosomal Dominant, Autosomal Recessive and X-Linked Classification Criteria (2023). Collection method: clinical testing. Allele origin: unknown.
Comment: NM_001080522.2(CC2D2A):c.4050dupC(W1351Lfs*5) is expected to be pathogenic in the context of CC2D2A-related disorders. This variant is predicted to lead to an abnormal or absent protein product due to the creation of a premature termination codon in CC2D2A, a gene where loss-of-function variants are known to be pathogenic. Please note: this variant was assessed in the context of healthy population screening.

NM_001378615.1(CC2D2A):c.4050dup (p.Trp1351fs)

Genes: CC2D2A (coiled-coil and C2 domain containing 2A; plus strand), FBXL5 (F-box and leucine rich repeat protein 5; minus strand). Cytogenetic location: 4p15.32.
Variant type: Duplication.
Coding change: c.4050dup on transcript NM_001378615.1 (MANE Select); coding-DNA position 4050, one base duplicated (C; older notation c.4050dupC).
Protein change: p.Trp1351fs; shifts the reading frame from tryptophan 1351.
Molecular consequence: frameshift variant.
Genome position (GRCh38, 1-based): chr4:15,586,231, C duplicated. VCF-style (leftmost placement, unchanged base first): chr4-15586230-T-TC. GRCh37 (hg19) VCF-style: chr4-15587853-T-TC.
Other names: c.4050dup, p.Trp1351fs (NM_001080522.2); c.3903dup, p.Trp1302fs (NM_001378617.1); short protein forms W1302fs, W1351fs.
Identifiers: ClinVar variation 5015034 (VCV005015034.1).